The following is an entry in ClinVar:

NM_005228.5(EGFR):c.1546T>G (p.Trp516Gly)

Gene: EGFR (epidermal growth factor receptor; plus strand). Cytogenetic location: 7p11.2.
Variant type: single nucleotide variant.
Coding change: c.1546T>G on transcript NM_005228.5 (MANE Select); coding-DNA position 1546, T replaced by G.
Protein change: p.Trp516Gly; replaces tryptophan 516 with glycine.
Molecular consequence: missense variant.
Genome position (GRCh38, 1-based): chr7:55,161,546, T>G. VCF-style: chr7-55161546-T-G. GRCh37 (hg19) VCF-style: chr7-55229239-T-G.
Other names: c.1411T>G, p.Trp471Gly (NM_001346897.2, NM_001346899.2); c.1546T>G, p.Trp516Gly (NM_001346898.2, NM_201282.2, NM_201284.2); c.1387T>G, p.Trp463Gly (NM_001346900.2); c.745T>G, p.Trp249Gly (NM_001346941.2); c.1546T>G (NM_005228.3); short protein forms W471G, W249G, W463G, W516G.
Identifiers: ClinVar variation 1415271 (VCV001415271.9), dbSNP rs2128942818, ClinGen allele CA367579865.

ClinVar aggregate classification (germline): Uncertain significance. Review status: criteria provided, multiple submitters, no conflicts (2 of 4 stars). 2 submissions from 2 submitters: Uncertain significance (2). Last evaluated 2025-01-27.

Conditions:
Hereditary cancer-predisposing syndrome. Also called: Hereditary Cancer Syndrome; Tumor predisposition; Hereditary neoplastic syndrome; Neoplastic Syndromes, Hereditary. Identifiers: Orphanet 140162, MedGen C0027672, MeSH D009386, MONDO:0015356.
EGFR-related lung cancer (EGFR). Identifiers: MedGen CN130014.

Submissions (2):

Ambry Genetics
Classification: Uncertain significance for Hereditary cancer-predisposing syndrome. Last evaluated: 2025-01-27. Review status: criteria provided, single submitter. Criteria: Ambry Variant Classification Scheme 2023. Collection method: clinical testing. Allele origin: germline.
Comment: The p.W516G variant (also known as c.1546T>G), located in coding exon 13 of the EGFR gene, results from a T to G substitution at nucleotide position 1546. The tryptophan at codon 516 is replaced by glycine, an amino acid with highly dissimilar properties. This amino acid position is conserved. In addition, this alteration is predicted to be deleterious by in silico analysis. Based on the available evidence, the clinical significance of this variant remains unclear.

Labcorp Genetics (formerly Invitae), Labcorp
Classification: Uncertain significance for EGFR-related lung cancer. Last evaluated: 2021-07-01. Review status: criteria provided, single submitter. Criteria: Invitae Variant Classification Sherloc (09022015). Collection method: clinical testing. Allele origin: germline.
Comment: This sequence change replaces tryptophan with glycine at codon 516 of the EGFR protein (p.Trp516Gly). The tryptophan residue is highly conserved and there is a large physicochemical difference between tryptophan and glycine. This variant is not present in population databases (ExAC no frequency). This variant has not been reported in the literature in individuals affected with EGFR-related conditions. Algorithms developed to predict the effect of missense changes on protein structure and function are either unavailable or do not agree on the potential impact of this missense change (SIFT: "Deleterious"; PolyPhen-2: "Probably Damaging"; Align-GVGD: "Class C0"). In summary, the available evidence is currently insufficient to determine the role of this variant in disease. Therefore, it has been classified as a Variant of Uncertain Significance.